The following is an entry in ClinVar:

ClinVar aggregate classification (germline): Pathogenic (1 of 4 stars; one submission).

Submission:

Labcorp Genetics (formerly Invitae), Labcorp
Classification: Pathogenic. Last evaluated: 2019-09-09. Review status: criteria provided, single submitter. Criteria: Invitae Variant Classification Sherloc (09022015). Collection method: clinical testing. Allele origin: germline.
Comment: This sequence change creates a premature translational stop signal (p.Pro740Hisfs*9) in the DOCK6 gene. It is expected to result in an absent or disrupted protein product. This variant is present in population databases (rs760412099, ExAC 0.006%). This variant has not been reported in the literature in individuals with DOCK6-related conditions. Loss-of-function variants in DOCK6 are known to be pathogenic (PMID: 21820096, 25824905). For these reasons, this variant has been classified as Pathogenic.

Literature cited by the submitters: PubMed 21820096; PubMed 25824905.

NM_020812.4(DOCK6):c.2219del (p.Pro740fs)

Gene: DOCK6 (dedicator of cytokinesis 6; minus strand). Cytogenetic location: 19p13.2.
Variant type: Deletion.
Coding change: c.2219del on transcript NM_020812.4 (MANE Select); coding-DNA position 2219, one base deleted (C; older notation c.2219delC).
Protein change: p.Pro740fs; shifts the reading frame from proline 740.
Molecular consequence: frameshift variant.
Genome position (GRCh38, 1-based): chr19:11,236,519, G deleted on the plus strand (C on the coding strand, the reverse complement: DOCK6 is on the minus strand); the first of 3 consecutive G bases (chr19:11,236,519-11,236,521); deleting any one gives the same sequence. VCF-style (leftmost placement, unchanged base first): chr19-11236518-TG-T. GRCh37 (hg19) VCF-style: chr19-11347194-TG-T.
Other names: c.2219del, p.Pro740fs (NM_001367830.1); short protein forms P740fs.
Identifiers: ClinVar variation 948255 (VCV000948255.4), dbSNP rs760412099, ClinGen allele CA9207700.
Genomic context (GRCh38, chr19:11,236,518, plus strand): 5'-ACTGGCCCGCAGCTCCTGCTCCACGTTGCCCTCGCTCAGCACAGTGTCCTTGAGCCGGAA[TG>T]GGAAGGCTCCCTCCTCCAGGACGTGCACCAGGGTGAAGAATTTGTCCAGGTAGGGGTCCT-3'